The following is an entry in ClinVar:

ClinVar aggregate classification (germline): Pathogenic. Review status: criteria provided, multiple submitters, no conflicts (2 of 4 stars). 2 submissions from 2 submitters: Pathogenic (2). Last evaluated 2024-01-04.

Conditions:
Macular corneal dystrophy (MCD). Also called: GROENOUW TYPE II CORNEAL DYSTROPHY; Macular corneal dystrophy Type I. Identifiers: Orphanet 98969, MedGen C1636149, MONDO:0009020, OMIM 217800.

Allele frequency attached by ClinVar (database versions not stated): ExAC 0.00001.
gnomAD v4.1: 29 of 1,612,864 alleles (0.0018%); highest among the groups gnomAD compares: Non-Finnish European, 0.0024%; no homozygotes.

Submissions (2):

Fulgent Genetics
Classification: Pathogenic for Macular corneal dystrophy. Last evaluated: 2024-01-04. Review status: criteria provided, single submitter. Criteria: ACMG Guidelines, 2015. Collection method: clinical testing. Allele origin: germline.

Women's Health and Genetics/Laboratory Corporation of America, LabCorp
Classification: Pathogenic for Macular corneal dystrophy. Last evaluated: 2023-08-17. Review status: criteria provided, single submitter. Criteria: LabCorp Variant Classification Summary - May 2015. Collection method: clinical testing. Allele origin: germline.
Comment: Variant summary: CHST6 c.418C>T (p.Arg140X) results in a premature termination codon, predicted to cause a truncation of the encoded protein, which is a commonly known mechanism for disease, removing a portion of the Sulfotransferase domain (IPR000863). The variant allele was found at a frequency of 8.1e-06 in 248188 control chromosomes (gnomAD). c.418C>T has been reported in the literature in individuals affected with Macular Corneal Dystrophy (El-Ashry_2005, Wang_2017, Hao_2022). These data indicate that the variant is likely to be associated with disease. The following publications have been ascertained in the context of this evaluation (PMID: 15652851, 29221207, 34826417). No submitters have cited clinical-significance assessments for this variant to ClinVar after 2014. Based on the evidence outlined above, the variant was classified as pathogenic.

Literature cited by the submitters: PubMed 15652851 (cited by Women's Health and Genetics/Laboratory Corporation of America, LabCorp); PubMed 34826417 (cited by Women's Health and Genetics/Laboratory Corporation of America, LabCorp); PubMed 29221207 (cited by Women's Health and Genetics/Laboratory Corporation of America, LabCorp).

NM_021615.5(CHST6):c.418C>T (p.Arg140Ter)

Gene: CHST6 (carbohydrate sulfotransferase 6; minus strand). Cytogenetic location: 16q23.1.
Variant type: single nucleotide variant.
Coding change: c.418C>T on transcript NM_021615.5 (MANE Select); coding-DNA position 418, C replaced by T.
Protein change: p.Arg140Ter; replaces arginine 140 with a stop codon.
Molecular consequence: nonsense.
Genome position (GRCh38, 1-based): chr16:75,479,411, G>A on the plus strand (C>T on the coding strand, the complement: CHST6 is on the minus strand). VCF-style: chr16-75479411-G-A. GRCh37 (hg19) VCF-style: chr16-75513309-G-A.
Other names: short protein forms R140*.
Identifiers: ClinVar variation 2581187 (VCV002581187.2), dbSNP rs757912368, ClinGen allele CA8175504.
Genomic context (GRCh38, chr16:75,479,411, plus strand): 5'-GGGTGAAGGACTGCCGCGCGCACAGTGGCTTGCACACGGCCTCGCTGCTGATGGCGCCTC[G>A]GGGAAAGGCACTGCAGGCGGGTGGCGAGCACAGTGCACGGCTCACGGCCCACTGGAAGAG-3'